The following is an entry in ClinVar:

ClinVar aggregate classification (germline): Conflicting classifications of pathogenicity. Review status: criteria provided, conflicting classifications (1 of 4 stars). 2 submissions from 2 submitters: Uncertain significance (1); Likely benign (1). Last evaluated 2025-11-11.

Conditions:
Rubinstein-Taybi syndrome due to EP300 haploinsufficiency. Also called: EP300-Related Rubinstein-Taybi Syndrome; RUBINSTEIN-TAYBI SYNDROME 2. Identifiers: Orphanet 353284, Orphanet 783, MedGen C3150941, MONDO:0013364, OMIM 613684.
EP300-related disorder. Also called: EP300-related disorders; EP300-related condition.

Allele frequency attached by ClinVar (database versions not stated): ExAC 0.00001; gnomAD 0.00003; TOPMed 0.00003.
gnomAD v4.1: 4 of 1,613,996 alleles (0.00025%); highest among the groups gnomAD compares: African/African-American, 0.004%; no homozygotes.

Submissions (2):

PreventionGenetics, part of Exact Sciences
Classification: Uncertain significance for EP300-related condition. Last evaluated: 2025-11-11. Review status: criteria provided, single submitter. Criteria: ACMG Guidelines, 2015. Collection method: clinical testing. Allele origin: germline.
Comment: The EP300 c.1635T>A variant is predicted to result in the amino acid substitution p.Ser545Arg. To our knowledge, this variant has not been reported in the literature. This variant is reported in 0.0080% of alleles in individuals of African descent in gnomAD. At this time, the clinical significance of this variant is uncertain due to the absence of conclusive functional and genetic evidence.

Labcorp Genetics (formerly Invitae), Labcorp
Classification: Likely benign for Rubinstein-Taybi syndrome due to EP300 haploinsufficiency. Last evaluated: 2024-06-04. Review status: criteria provided, single submitter. Criteria: Invitae Variant Classification Sherloc (09022015). Collection method: clinical testing. Allele origin: germline.

NM_001429.4(EP300):c.1635T>A (p.Ser545Arg)

Gene: EP300 (EP300 lysine acetyltransferase; plus strand). Cytogenetic location: 22q13.2.
Variant type: single nucleotide variant.
Coding change: c.1635T>A on transcript NM_001429.4 (MANE Select); coding-DNA position 1635, T replaced by A.
Protein change: p.Ser545Arg; replaces serine 545 with arginine.
Molecular consequence: missense variant.
Genome position (GRCh38, 1-based): chr22:41,137,665, T>A. VCF-style: chr22-41137665-T-A. GRCh37 (hg19) VCF-style: chr22-41533669-T-A.
Other names: c.1635T>A, p.Ser545Arg (NM_001362843.2); c.1635T>A (NM_001429.3); short protein forms S545R.
Identifiers: ClinVar variation 2998945 (VCV002998945.4), dbSNP rs759693947, ClinGen allele CA10252587.